The following is an entry in ClinVar:

NM_001348323.3(TRIP12):c.6130T>A (p.Ser2044Thr)

Gene: TRIP12 (thyroid hormone receptor interactor 12; minus strand). Cytogenetic location: 2q36.3.
Variant type: single nucleotide variant.
Coding change: c.6130T>A on transcript NM_001348323.3 (MANE Select); coding-DNA position 6130, T replaced by A.
Protein change: p.Ser2044Thr; replaces serine 2044 with threonine.
Molecular consequence: missense variant.
Genome position (GRCh38, 1-based): chr2:229,767,628, A>T on the plus strand (T>A on the coding strand, the complement: TRIP12 is on the minus strand). VCF-style: chr2-229767628-A-T. GRCh37 (hg19) VCF-style: chr2-230632344-A-T.
Other names: c.6052T>A, p.Ser2018Thr (NM_001348333.1); c.5905T>A, p.Ser1969Thr (NM_004238.3); c.6133T>A, p.Ser2045Thr (NM_001348330.2, NM_001348328.1, NM_001348329.2); c.5908T>A, p.Ser1970Thr (NM_001348331.1); c.6028T>A, p.Ser2010Thr (NM_001348332.1); c.6049T>A, p.Ser2017Thr (NM_001284214.2, NM_001348315.2); c.6004T>A, p.Ser2002Thr (NM_001284215.2, NM_001348316.2); c.5095T>A, p.Ser1699Thr (NM_001284216.2); and 4 more; short protein forms S1699T, S1969T, S1970T, S1997T, S2002T, S2010T, S2017T, S2018T.
Identifiers: ClinVar variation 4277302 (VCV004277302.1).

ClinVar aggregate classification (germline): Uncertain significance (1 of 4 stars; one submission).

Conditions:
Clark-Baraitser syndrome. Also called: MENTAL RETARDATION, AUTOSOMAL DOMINANT 49; BARAITSER SYNDROME; Mental retardation, tall stature, obesity, macrocephaly and typical facial features; Intellectual disability, autosomal dominant 49. Identifiers: Orphanet 600731, MedGen C2931130, MONDO:0030914, OMIM 617752.

gnomAD v4.1: 3 of 1,614,190 alleles (0.00019%); highest among the groups gnomAD compares: Middle Eastern, 0.016%; no homozygotes.

Submission:

Neurogenetics Laboratory, American University of Beirut
Classification: Uncertain significance for Clark-Baraitser syndrome. Last evaluated: 2025-09-30. Review status: criteria provided, single submitter. Criteria: ACMG Guidelines, 2015. Collection method: clinical testing. Allele origin: paternal. Affected: yes. Observed: 1 heterozygote.
Comment: The NM_004238.3:c.5905T>A (p.Ser1969Thr) is a missense variant affecting the last exon of TRIP12. The variant has an extremely low frequency in gnomAD population databases (gnomAD v2.1.1: 2/251334 alleles; rs779019882). Affected amino acid is highly conserved among species and in silico tools such as Polyphen2, LRT, MutationTaster, M-CAP, Clinpred and List2 predicted the variant to be damaging, although the aggregated prediction score was uncertain. The variant was classified as of uncertain significance (PM2+PP2).